The following is an entry in ClinVar:

ClinVar aggregate classification (germline): Likely benign (1 of 4 stars; one submission).

Allele frequency attached by ClinVar (database versions not stated): gnomAD 0.00803; 1000 Genomes Project 0.01018; 1000 Genomes Project 30x 0.01062; TOPMed 0.01109.
gnomAD v4.1: 1,630 of 152,266 alleles (1.1%); highest among the groups gnomAD compares: Middle Eastern, 2.1%; 18 homozygotes.

Submission:

GeneDx
Classification: Likely benign. Last evaluated: 2018-06-18. Review status: criteria provided, single submitter. Criteria: GeneDx Variant Classification (06012015). Collection method: clinical testing. Allele origin: germline. Affected: yes.
Comment: This variant is considered likely benign or benign based on one or more of the following criteria: it is a conservative change, it occurs at a poorly conserved position in the protein, it is predicted to be benign by multiple in silico algorithms, and/or has population frequency not consistent with disease.

NM_001035.3(RYR2):c.11646+180G>C

Gene: RYR2 (ryanodine receptor 2; plus strand). Cytogenetic location: 1q43.
Variant type: single nucleotide variant.
Coding change: c.11646+180G>C on transcript NM_001035.3 (MANE Select); 180 bases into the intron after coding-DNA position 11646, G replaced by C.
Molecular consequence: intron variant.
Genome position (GRCh38, 1-based): chr1:237,772,280, G>C. VCF-style: chr1-237772280-G-C. GRCh37 (hg19) VCF-style: chr1-237935580-G-C.
Identifiers: ClinVar variation 673872 (VCV000673872.1), dbSNP rs138878717, ClinGen allele CA39816870.